The following is an entry in ClinVar:

ClinVar aggregate classification (germline): Uncertain significance (1 of 4 stars; one submission).

Conditions:
Neuropathy, hereditary sensory and autonomic, type 2A (HSAN2A). Also called: MORVAN DISEASE; NEUROPATHY, CONGENITAL SENSORY; NEUROPATHY, HEREDITARY SENSORY RADICULAR, AUTOSOMAL RECESSIVE; NEUROPATHY, HEREDITARY SENSORY, TYPE IIA; NEUROPATHY, PROGRESSIVE SENSORY, OF CHILDREN; HSAN IIA. Identifiers: Orphanet 970, MedGen C2752089, MONDO:0024309, OMIM 201300.
Generalized epilepsy with febrile seizures plus, type 7 (GEFSP7). Also called: GEFS+, TYPE 7. Identifiers: Orphanet 36387, MedGen C2751778, MONDO:0013470, OMIM 613863.

Allele frequency attached by ClinVar (database versions not stated): gnomAD exomes below 0.00001; ExAC 0.00001.
gnomAD v4.1: 5 of 1,612,014 alleles (0.00031%); highest among the groups gnomAD compares: Non-Finnish European, 0.00042%; no homozygotes.

Submission:

Labcorp Genetics (formerly Invitae), Labcorp
Classification: Uncertain significance for Neuropathy, hereditary sensory and autonomic, type 2A; Generalized epilepsy with febrile seizures plus, type 7. Last evaluated: 2022-09-23. Review status: criteria provided, single submitter. Criteria: Invitae Variant Classification Sherloc (09022015). Collection method: clinical testing. Allele origin: germline.
Comment: Advanced modeling of protein sequence and biophysical properties (such as structural, functional, and spatial information, amino acid conservation, physicochemical variation, residue mobility, and thermodynamic stability) performed at Invitae indicates that this missense variant is not expected to disrupt SCN9A protein function. In summary, the available evidence is currently insufficient to determine the role of this variant in disease. Therefore, it has been classified as a Variant of Uncertain Significance. This variant has not been reported in the literature in individuals affected with SCN9A-related conditions. This variant is present in population databases (rs779201398, gnomAD 0.0009%). This sequence change replaces alanine, which is neutral and non-polar, with valine, which is neutral and non-polar, at codon 1505 of the SCN9A protein (p.Ala1505Val).

NM_001365536.1(SCN9A):c.4547C>T (p.Ala1516Val)

Genes: SCN9A (sodium voltage-gated channel alpha subunit 9; minus strand), SCN1A-AS1 (SCN1A and SCN9A antisense RNA 1; plus strand). Cytogenetic location: 2q24.3.
Variant type: single nucleotide variant.
Coding change: c.4547C>T on transcript NM_001365536.1 (MANE Select); coding-DNA position 4547, C replaced by T.
Protein change: p.Ala1516Val; replaces alanine 1516 with valine.
Molecular consequence: missense variant.
Genome position (GRCh38, 1-based): chr2:166,204,182, G>A on the plus strand (C>T on the coding strand, the complement: SCN9A is on the minus strand). VCF-style: chr2-166204182-G-A. GRCh37 (hg19) VCF-style: chr2-167060692-G-A.
Other names: c.4514C>T, p.Ala1505Val (NM_002977.4); short protein forms A1505V, A1516V.
Identifiers: ClinVar variation 2414172 (VCV002414172.6), dbSNP rs779201398, ClinGen allele CA1943827.